The following is an entry in ClinVar:

ClinVar aggregate classification (germline): Likely pathogenic. Review status: criteria provided, multiple submitters, no conflicts (2 of 4 stars). 3 submissions from 3 submitters: Likely pathogenic (2). 1 of the submissions does not count toward it. Last evaluated 2026-01-17.

Conditions:
Spastic paraplegia 30A, autosomal dominant. Identifiers: MedGen CN380650, MONDO:0700307, OMIM 610357.
Intellectual disability, autosomal dominant 9 (NESCAVS). Also called: NESCAV SYNDROME; KIF1A-Related Neurodevelopmental Disorder. Identifiers: Orphanet 662367, MedGen C5393830, MONDO:0013656, OMIM 614255.

Submissions (3):

Department of Molecular Genetics, Istishari Arab Hospital
Classification: Likely pathogenic for Intellectual disability, autosomal dominant 9; Spastic paraplegia 30A, autosomal dominant. Last evaluated: 2026-01-17. Review status: criteria provided, single submitter. Criteria: ACMG Guidelines, 2015. Collection method: clinical testing. Allele origin: germline. Inheritance: Autosomal dominant inheritance. Affected: yes.
Comment: The KIF1A variant c.430G>T, p.Val144Phe creates an amino acid change from Val to Phe at position 144. This variant was not observed in the gnomAD v4.1.0 dataset. This variant was previously detected as de novo in patients with KIF1A -related disorders (PMID: 25265257 ). It is classified as pathogenic based on the implementation of the ACMG/AMP/ClinGen SVI guidelines.

SIB Swiss Institute of Bioinformatics
Classification: Likely pathogenic for Intellectual disability, autosomal dominant 9. Last evaluated: 2020-06-15. Review status: criteria provided, single submitter. Criteria: ACMG Guidelines, 2015. Collection method: curation. Allele origin: unknown.
Comment: This variant is interpreted as likely pathogenic for NESCAV syndrome, autosomal dominant. The following ACMG Tag(s) were applied: Absent from controls (or at extremely low frequency if recessive) in Exome Sequencing Project, 1000 Genomes Project, or Exome Aggregation Consortium (PM2); Assumed de novo, but no confirmation of paternity and maternity (PM6); Multiple lines of computational evidence support a deleterious effect on the gene or gene product (PP3); Missense variant in a gene that has a low rate of benign missense variation and in which missense variants are a common mechanism of disease (PP2).

CHU Sainte-Justine Research Center, University of Montreal
Classification: Likely pathogenic for Mental retardation, autosomal dominant 9. Last evaluated: 2014-01-01. Review status: no assertion criteria provided. Collection method: clinical testing. Allele origin: de novo. Inheritance: Sporadic. Affected: yes. Observed: 2 variant alleles, 2 heterozygotes. Clinical features observed: intellectual disability, spastic paraparesis, axonal neuropathy. Not counted in ClinVar's aggregate classification.

Literature cited by the submitters: PubMed 25265257 (cited by 3 submitters).

NM_001244008.2(KIF1A):c.430G>T (p.Val144Phe)

Gene: KIF1A (kinesin family member 1A; minus strand). Cytogenetic location: 2q37.3.
Variant type: single nucleotide variant.
Coding change: c.430G>T on transcript NM_001244008.2 (MANE Select); coding-DNA position 430, G replaced by T.
Protein change: p.Val144Phe; replaces valine 144 with phenylalanine.
Molecular consequence: missense variant.
Genome position (GRCh38, 1-based): chr2:240,786,513, C>A on the plus strand (G>T on the coding strand, the complement: KIF1A is on the minus strand). VCF-style: chr2-240786513-C-A. GRCh37 (hg19) VCF-style: chr2-241725930-C-A.
Other names: c.430G>T, p.Val144Phe (NM_001320705.2, NM_001330289.2, NM_001330290.2 and 20 more transcripts); short protein forms V144F.
Identifiers: ClinVar variation 162054 (VCV000162054.4), dbSNP rs672601364, ClinGen allele CA212618.